The following is an entry in ClinVar:

NM_024422.6(DSC2):c.69G>A (p.Ala23=)

Genes: DSCAS (DSC1/DSC2 antisense RNA; plus strand), DSC2 (desmocollin 2; minus strand). Cytogenetic location: 18q12.1.
Variant type: single nucleotide variant.
Coding change: c.69G>A on transcript NM_024422.6 (MANE Select); coding-DNA position 69, G replaced by A.
Protein change: p.Ala23=; no amino-acid change (alanine 23 retained).
Molecular consequence: synonymous variant.
Genome position (GRCh38, 1-based): chr18:31,101,903, C>T on the plus strand (G>A on the coding strand, the complement: DSC2 is on the minus strand). VCF-style: chr18-31101903-C-T. GRCh37 (hg19) VCF-style: chr18-28681866-C-T.
Other names: c.69G>A, p.Ala23= (NM_004949.5).
Identifiers: ClinVar variation 924236 (VCV000924236.5), dbSNP rs1987974228, ClinGen allele CA503391542.
Genomic context (GRCh38, chr18:31,101,903, plus strand): 5'-TTCCTCTGCACCCTAGGCGATCGCCCCCTTCCCCGGAGCGGTGGCCGCGGCTACACTCAC[C>T]GCGAGGGTCAGCAGGAGCAGCCGGCAGAGGGCTCCGTTCCAGGAGCCGGAGGGGCGGGCT-3'
Protein context (NP_077740.1, residues 13-33): ALCRLLLLTL[Ala23=]ILIFASDACK

ClinVar aggregate classification (germline): Conflicting classifications of pathogenicity. Review status: criteria provided, conflicting classifications (1 of 4 stars). 2 submissions from 2 submitters: Uncertain significance (1); Likely benign (1). Last evaluated 2024-08-29.

Conditions:
Cardiomyopathy (CMYO). Also called: Cardiomyopathies. Identifiers: Orphanet 167848, MedGen C0878544, MONDO:0004994, HP:0001638. Inheritance: Various modes of inheritance.
Cardiovascular phenotype. Identifiers: MedGen CN230736.

Allele frequency attached by ClinVar (database versions not stated): TOPMed below 0.00001; gnomAD 0.00001.

Submissions (2):

Ambry Genetics
Classification: Uncertain significance for Cardiovascular phenotype. Last evaluated: 2024-08-29. Review status: criteria provided, single submitter. Criteria: Ambry Variant Classification Scheme 2023. Collection method: clinical testing. Allele origin: germline.
Comment: The c.69G>A variant (also known as p.A23A), located in coding exon 1 of the DSC2 gene, results from a G to A substitution at nucleotide position 69. This nucleotide substitution does not change the alanine at codon 23. However, this change occurs in the last base pair of coding exon 1, which makes it likely to have some effect on normal mRNA splicing. This nucleotide position is well conserved in available vertebrate species. In silico splice site analysis predicts that this alteration will not have any significant effect on splicing. Based on the available evidence, the clinical significance of this variant remains unclear.

Color Diagnostics, LLC DBA Color Health
Classification: Likely benign for Cardiomyopathy. Last evaluated: 2024-08-12. Review status: criteria provided, single submitter. Criteria: ACMG Guidelines, 2015. Collection method: clinical testing. Allele origin: germline.